The following is an entry in ClinVar:

NM_017802.4(DNAAF5):c.321_325dup (p.Arg109fs)

Genes: DNAAF5 (dynein axonemal assembly factor 5; plus strand), PRKAR1B (protein kinase cAMP-dependent type I regulatory subunit beta; minus strand). Cytogenetic location: 7p22.3.
Variant type: Microsatellite.
Coding change: c.321_325dup on transcript NM_017802.4 (MANE Select); coding-DNA positions 321 to 325, 5 bases duplicated (CGCGC; older notation c.321_325dupCGCGC).
Protein change: p.Arg109fs; shifts the reading frame from arginine 109.
Molecular consequence: frameshift variant. On other transcripts: non-coding transcript variant (1), intron variant (3).
Genome position (GRCh38, 1-based): chr7:727,041-727,045, CGCGC duplicated; duplicating any 5 consecutive bases within chr7:727,032-727,045 gives the same sequence; the c. name uses the placement nearest the transcript's 3' end. VCF-style (leftmost placement, unchanged base first): chr7-727031-T-TGCGCC. GRCh37 (hg19) VCF-style: chr7-766668-T-TGCGCC.
Other names: c.-23+614GGCGC[3] (NM_001164759.1); c.-23+549GGCGC[3] (NM_001164758.2); c.-23+169GGCGC[3] (NM_001164760.2); short protein forms R109fs.
Identifiers: ClinVar variation 1367576 (VCV001367576.6), dbSNP rs1376820756, ClinGen allele CA1097439743.
Genomic context (GRCh38, chr7:727,031, plus strand): 5'-GCCTGAGCGACCCCGCCGAGGGCTGCCGCGCGCTGGCAGTGCACCTGCTGGATCTGGGCC[T>TGCGCC]GCGCCGCGCCGCGCGGCCCCGCGATGCCCTGCCGCGCCTGCTGCCCGCGCTCGCCGCGCG-3'

ClinVar aggregate classification (germline): Pathogenic (1 of 4 stars; one submission).

Conditions:
Primary ciliary dyskinesia. Also called: Ciliary dyskinesia. Identifiers: Orphanet 244, MedGen C0008780, MONDO:0016575, HP:0012265.

Submission:

Labcorp Genetics (formerly Invitae), Labcorp
Classification: Pathogenic for Primary ciliary dyskinesia. Last evaluated: 2025-06-04. Review status: criteria provided, single submitter. Criteria: Invitae Variant Classification Sherloc (09022015). Collection method: clinical testing. Allele origin: germline.
Comment: This sequence change creates a premature translational stop signal (p.Arg109Profs*102) in the DNAAF5 gene. It is expected to result in an absent or disrupted protein product. Loss-of-function variants in DNAAF5 are known to be pathogenic (PMID: 24307375, 25232951). The frequency data for this variant in the population databases is considered unreliable, as metrics indicate insufficient coverage at this position in the gnomAD database. This variant has not been reported in the literature in individuals affected with DNAAF5-related conditions. For these reasons, this variant has been classified as Pathogenic.

Literature cited by the submitters: PubMed 24307375; PubMed 25232951.